The following is an entry in ClinVar:

NM_024675.4(PALB2):c.1635del (p.Val546fs)

Gene: PALB2 (partner and localizer of BRCA2; minus strand). Cytogenetic location: 16p12.2.
Variant type: Deletion.
Coding change: c.1635del on transcript NM_024675.4 (MANE Select); coding-DNA position 1635, one base deleted (A; older notation c.1635delA).
Protein change: p.Val546fs; shifts the reading frame from valine 546.
Molecular consequence: frameshift variant.
Genome position (GRCh38, 1-based): chr16:23,634,911, T deleted on the plus strand (A on the coding strand, the reverse complement: PALB2 is on the minus strand); the first of 2 consecutive T bases (chr16:23,634,911-23,634,912); deleting either gives the same sequence. VCF-style (leftmost placement, unchanged base first): chr16-23634910-CT-C. GRCh37 (hg19) VCF-style: chr16-23646231-CT-C.
Other names: short protein forms V546fs.
Identifiers: ClinVar variation 819652 (VCV000819652.4), dbSNP rs1597095394, ClinGen allele CA915949201.

ClinVar aggregate classification (germline): Pathogenic (1 of 4 stars; one submission).

Conditions:
Hereditary cancer-predisposing syndrome. Also called: Neoplastic Syndromes, Hereditary; Tumor predisposition; Hereditary Cancer Syndrome; Hereditary neoplastic syndrome. Identifiers: Orphanet 140162, MedGen C0027672, MeSH D009386, MONDO:0015356.

Submission:

Ambry Genetics
Classification: Pathogenic for Hereditary cancer-predisposing syndrome. Last evaluated: 2019-11-05. Review status: criteria provided, single submitter. Criteria: Ambry Variant Classification Scheme 2023. Collection method: clinical testing. Allele origin: germline.
Comment: The c.1635delA pathogenic mutation, located in coding exon 4 of the PALB2 gene, results from a deletion of one nucleotide at nucleotide position 1635, causing a translational frameshift with a predicted alternate stop codon (p.V546Sfs*15). This alteration is expected to result in loss of function by premature protein truncation or nonsense-mediated mRNA decay. As such, this alteration is interpreted as a disease-causing mutation.